The following is an entry in ClinVar:

NM_022168.4(IFIH1):c.909_941del (p.Pro304_Glu314del)

Gene: IFIH1 (interferon induced with helicase C domain 1; minus strand). Cytogenetic location: 2q24.2.
Variant type: Deletion.
Coding change: c.909_941del on transcript NM_022168.4 (MANE Select); coding-DNA positions 909 to 941, 33 bases deleted.
Protein change: p.Pro304_Glu314del.
Genome position (GRCh38, 1-based): chr2:162,288,289-162,288,321, 33 bases deleted; deleting any 33 consecutive bases within chr2:162,288,289-162,288,324 gives the same sequence; the c. name uses the placement nearest the transcript's 3' end. GRCh37 (hg19): chr2:163,144,802-163,144,834.
Identifiers: ClinVar variation 4785185 (VCV004785185.1).

ClinVar aggregate classification (germline): Uncertain significance (1 of 4 stars; one submission).

Conditions:
Aicardi-Goutieres syndrome 7 (AGS7). Identifiers: Orphanet 51, MedGen C3888244, MONDO:0014367, OMIM 615846.
Singleton-Merten syndrome 1 (SGMRT1). Also called: Widened medullary cavities of bone, aortic calcification, abnormal dentition, and muscular weakness; Syndrome of widened medullary cavities of the metacarpals and phalanges, aortic calcification and abnormal dentition. Identifiers: Orphanet 85191, MedGen C4225427, MONDO:0024535, OMIM 182250.

Submission:

Labcorp Genetics (formerly Invitae), Labcorp
Classification: Uncertain significance for Aicardi-Goutieres syndrome 7; Singleton-Merten syndrome 1. Last evaluated: 2025-06-09. Review status: criteria provided, single submitter. Criteria: Invitae Variant Classification Sherloc (09022015). Collection method: clinical testing. Allele origin: germline.
Comment: This variant, c.909_941del, results in the deletion of 11 amino acid(s) of the IFIH1 protein (p.Pro304_Glu314del), but otherwise preserves the integrity of the reading frame. This variant is not present in population databases (gnomAD no frequency). This variant has not been reported in the literature in individuals affected with IFIH1-related conditions. Experimental studies and prediction algorithms are not available or were not evaluated, and the functional significance of this variant is currently unknown. In summary, the available evidence is currently insufficient to determine the role of this variant in disease. Therefore, it has been classified as a Variant of Uncertain Significance.